The following is an entry in ClinVar:

ClinVar aggregate classification (germline): Likely benign (0 of 4 stars; one submission).

Conditions:
P2RX7-related disorder. Also called: P2RX7-related condition.

Allele frequency attached by ClinVar (database versions not stated): ExAC 0.00002; gnomAD 0.00005; TOPMed 0.00006; ESP Exome Variant Server 0.00008; gnomAD exomes 0.00010.
gnomAD v4.1: 158 of 1,611,674 alleles (0.0098%); highest among the groups gnomAD compares: Non-Finnish European, 0.012%; no homozygotes.

Submission:

PreventionGenetics, part of Exact Sciences
Classification: Likely benign for P2RX7-related condition. Last evaluated: 2021-01-04. Review status: no assertion criteria provided. Collection method: clinical testing. Allele origin: germline.
Comment: This variant is classified as likely benign based on ACMG/AMP sequence variant interpretation guidelines (Richards et al. 2015 PMID: 25741868, with internal and published modifications).

NM_002562.6(P2RX7):c.364-4G>A

Gene: P2RX7 (purinergic receptor P2X 7; plus strand). Cytogenetic location: 12q24.31.
Variant type: single nucleotide variant.
Coding change: c.364-4G>A on transcript NM_002562.6 (MANE Select); 4 bases into the intron before coding-DNA position 364, G replaced by A.
Molecular consequence: intron variant.
Genome position (GRCh38, 1-based): chr12:121,160,898, G>A. VCF-style: chr12-121160898-G-A. GRCh37 (hg19) VCF-style: chr12-121598701-G-A.
Identifiers: ClinVar variation 3031264 (VCV003031264.2), dbSNP rs199972027, ClinGen allele CA6833210.